The following is an entry in ClinVar:

NM_014946.4(SPAST):c.1255G>A (p.Gly419Arg)

Gene: SPAST (spastin; plus strand). Cytogenetic location: 2p22.3.
Variant type: single nucleotide variant.
Coding change: c.1255G>A on transcript NM_014946.4 (MANE Select); coding-DNA position 1255, G replaced by A.
Protein change: p.Gly419Arg; replaces glycine 419 with arginine.
Molecular consequence: missense variant.
Genome position (GRCh38, 1-based): chr2:32,136,572, G>A. VCF-style: chr2-32136572-G-A. GRCh37 (hg19) VCF-style: chr2-32361641-G-A.
Other names: c.1252G>A, p.Gly418Arg (NM_001363823.2); c.1156G>A, p.Gly386Arg (NM_001363875.2); c.1159G>A, p.Gly387Arg (NM_001377959.1, NM_199436.2); short protein forms G418R, G419R, G386R, G387R.
Identifiers: ClinVar variation 2097662 (VCV002097662.4), dbSNP rs2465882942, ClinGen allele CA346501849.

ClinVar aggregate classification (germline): Uncertain significance (1 of 4 stars; one submission).

Conditions:
Hereditary spastic paraplegia 4. Also called: Spastic paraplegia 4, autosomal dominant; Familial spastic paraplegia autosomal dominant 2; Spastic Paraplegia 4. Identifiers: Orphanet 100985, MedGen C1866855, MONDO:0008438, OMIM 182601.

Allele frequency attached by ClinVar (database versions not stated): gnomAD exomes below 0.00001.
gnomAD v4.1: 1 of 1,612,310 alleles (0.000062%); highest among the groups gnomAD compares: Non-Finnish European, 0.000085%; no homozygotes.

Submission:

Labcorp Genetics (formerly Invitae), Labcorp
Classification: Uncertain significance for Hereditary spastic paraplegia 4. Last evaluated: 2022-03-01. Review status: criteria provided, single submitter. Criteria: Invitae Variant Classification Sherloc (09022015). Collection method: clinical testing. Allele origin: germline.
Comment: In summary, the available evidence is currently insufficient to determine the role of this variant in disease. Therefore, it has been classified as a Variant of Uncertain Significance. Advanced modeling of protein sequence and biophysical properties (such as structural, functional, and spatial information, amino acid conservation, physicochemical variation, residue mobility, and thermodynamic stability) performed at Invitae indicates that this missense variant is expected to disrupt SPAST protein function. This variant has not been reported in the literature in individuals affected with SPAST-related conditions. This variant is not present in population databases (gnomAD no frequency). This sequence change replaces glycine, which is neutral and non-polar, with arginine, which is basic and polar, at codon 419 of the SPAST protein (p.Gly419Arg).